The following is an entry in ClinVar:

NM_004360.5(CDH1):c.2459C>T (p.Thr820Ile)

Gene: CDH1 (cadherin 1; plus strand). Cytogenetic location: 16q22.1.
Variant type: single nucleotide variant.
Coding change: c.2459C>T on transcript NM_004360.5 (MANE Select); coding-DNA position 2459, C replaced by T.
Protein change: p.Thr820Ile; replaces threonine 820 with isoleucine.
Molecular consequence: missense variant.
Genome position (GRCh38, 1-based): chr16:68,833,309, C>T. VCF-style: chr16-68833309-C-T. GRCh37 (hg19) VCF-style: chr16-68867212-C-T.
Other names: c.2459C>T (LRG_301t1, NM_004360.4); c.2276C>T, p.Thr759Ile (NM_001317184.2); c.911C>T, p.Thr304Ile (NM_001317185.2); c.494C>T, p.Thr165Ile (NM_001317186.2); short protein forms T820I, T304I, T759I, T165I.
Identifiers: ClinVar variation 418114 (VCV000418114.19), dbSNP rs767159815, ClinGen allele CA8130297.

ClinVar aggregate classification (germline): Conflicting classifications of pathogenicity. Review status: criteria provided, conflicting classifications (1 of 4 stars). 5 submissions from 5 submitters: Uncertain significance (4); Likely benign (1). Last evaluated 2026-07-30.

Conditions:
Hereditary cancer-predisposing syndrome. Also called: Neoplastic Syndromes, Hereditary; Hereditary Cancer Syndrome; Tumor predisposition; Hereditary neoplastic syndrome. Identifiers: Orphanet 140162, MedGen C0027672, MeSH D009386, MONDO:0015356.
Hereditary diffuse gastric adenocarcinoma (HDGC). Also called: DIFFUSE GASTRIC AND LOBULAR BREAST CANCER SYNDROME. Identifiers: Orphanet 26106, MedGen C1708349, MONDO:0007648, OMIM 137215.
Familial cancer of breast. Also called: BREAST CANCER, FAMILIAL; hereditary breast carcinoma; Hereditary breast cancer. Identifiers: Orphanet 227535, MedGen C0346153, MONDO:0016419, OMIM 114480. Disease mechanism: loss of function.

Allele frequency attached by ClinVar (database versions not stated): gnomAD exomes 0.00001 and below 0.00001; ExAC 0.00002.
gnomAD v4.1: 4 of 1,614,146 alleles (0.00025%); highest among the groups gnomAD compares: Admixed American, 0.005%; no homozygotes.

Submissions (5):

Ambry Genetics
Classification: Likely benign for Hereditary cancer-predisposing syndrome. Last evaluated: 2026-07-30. Review status: criteria provided, single submitter. Criteria: Ambry Variant Classification Scheme 2023. Collection method: clinical testing. Allele origin: germline.

Labcorp Genetics (formerly Invitae), Labcorp
Classification: Uncertain significance for Hereditary diffuse gastric adenocarcinoma. Last evaluated: 2025-12-26. Review status: criteria provided, single submitter. Criteria: Invitae Variant Classification Sherloc (09022015). Collection method: clinical testing. Allele origin: germline.
Comment: This sequence change replaces threonine, which is neutral and polar, with isoleucine, which is neutral and non-polar, at codon 820 of the CDH1 protein (p.Thr820Ile). This variant is present in population databases (rs767159815, gnomAD 0.009%). This variant has not been reported in the literature in individuals affected with CDH1-related conditions. ClinVar contains an entry for this variant (Variation ID: 418114). An algorithm developed to predict the effect of missense changes on protein structure and function (PolyPhen-2) suggests that this variant is likely to be disruptive. In summary, the available evidence is currently insufficient to determine the role of this variant in disease. Therefore, it has been classified as a Variant of Uncertain Significance.

GeneDx
Classification: Uncertain significance. Last evaluated: 2023-11-07. Review status: criteria provided, single submitter. Criteria: GeneDx Variant Classification Process June 2021. Collection method: clinical testing. Allele origin: germline. Affected: yes.
Comment: Not observed at significant frequency in large population cohorts (gnomAD); In silico analysis supports that this missense variant has a deleterious effect on protein structure/function; Has not been previously published as pathogenic or benign to our knowledge; This variant is associated with the following publications: (PMID: 15235021, 22850631)

Quest Diagnostics Nichols Institute San Juan Capistrano
Classification: Uncertain significance. Last evaluated: 2023-10-13. Review status: criteria provided, single submitter. Criteria: Quest Diagnostics criteria. Collection method: clinical testing. Allele origin: unknown.

Baylor Genetics
Classification: Uncertain significance for Familial cancer of breast. Last evaluated: 2023-07-28. Review status: criteria provided, single submitter. Criteria: ACMG Guidelines, 2015. Collection method: clinical testing. Allele origin: unknown.